The following is an entry in ClinVar:

NM_000179.3(MSH6):c.1969C>T (p.Gln657Ter)

Gene: MSH6 (mutS homolog 6; plus strand). Cytogenetic location: 2p16.3.
Variant type: single nucleotide variant.
Coding change: c.1969C>T on transcript NM_000179.3 (MANE Select); coding-DNA position 1969, C replaced by T.
Protein change: p.Gln657Ter; replaces glutamine 657 with a stop codon.
Molecular consequence: nonsense.
Genome position (GRCh38, 1-based): chr2:47,799,952, C>T. VCF-style: chr2-47799952-C-T. GRCh37 (hg19) VCF-style: chr2-48027091-C-T.
Other names: c.1579C>T, p.Gln527Ter (NM_001281492.2); c.1063C>T, p.Gln355Ter (NM_001281493.2, NM_001281494.2); short protein forms Q657*, Q527*, Q355*.
Identifiers: ClinVar variation 428316 (VCV000428316.22), dbSNP rs1114167709, ClinGen allele CA346750600.

ClinVar aggregate classification (germline): Pathogenic/Likely pathogenic. Review status: criteria provided, multiple submitters, no conflicts (2 of 4 stars). 8 submissions from 8 submitters: Pathogenic (7); Likely pathogenic (1). Last evaluated 2023-11-10.

Conditions:
Lynch syndrome. Identifiers: Orphanet 144, MedGen C4552100, MONDO:0005835. Disease mechanism: loss of function.
Lynch syndrome 5 (LYNCH5). Also called: Hereditary non-polyposis colorectal cancer, type 5; Colorectal cancer, hereditary nonpolyposis, type 5. Identifiers: Orphanet 144, MedGen C1833477, MONDO:0013710, OMIM 614350. Disease mechanism: loss of function.
Hereditary nonpolyposis colorectal neoplasms. Identifiers: MedGen C0009405, MeSH D003123.
Hereditary cancer-predisposing syndrome. Also called: Hereditary Cancer Syndrome; Neoplastic Syndromes, Hereditary; Hereditary neoplastic syndrome; Tumor predisposition. Identifiers: Orphanet 140162, MedGen C0027672, MeSH D009386, MONDO:0015356.
Hereditary nonpolyposis colon cancer (HNPCC). Also called: Hereditary Nonpolyposis Colorectal Cancer Syndrome; Hereditary nonpolyposis colorectal cancer; Familial nonpolyposis colon cancer. Identifiers: Orphanet 443909, MedGen C1333990, MONDO:0018630. Disease mechanism: loss of function.

Submissions (8):

All of Us Research Program, National Institutes of Health
Classification: Pathogenic for Lynch syndrome. Last evaluated: 2023-11-10. Review status: criteria provided, single submitter. Criteria: ACMG Guidelines, 2015. Collection method: clinical testing. Allele origin: germline. Inheritance: Autosomal dominant inheritance. Observed: 1 variant allele, 1 heterozygote.
Comment: This variant changes 1 nucleotide in exon 4 of the MSH6 gene, creating a premature translation stop signal. This variant is expected to result in an absent or non-functional protein product. To our knowledge, this variant has been reported in an individual affected with endometrial cancer (PMID: 29345684). This variant has not been identified in the general population by the Genome Aggregation Database (gnomAD). Loss of MSH6 function is a known mechanism of disease. The available evidence is insufficient to determine the role of this variant in disease conclusively. Therefore, this variant is classified as a Variant of Uncertain Significance.

This study involves interpretation of variants in research participants for the purpose of population health screening. Participant phenotype was not available at the time of variant classification. Additional details can be found in publication PMID: 35346344, PMCID: PMC8962531

Myriad Genetics, Inc.
Classification: Pathogenic for Lynch syndrome 5. Last evaluated: 2023-08-16. Review status: criteria provided, single submitter. Criteria: Myriad Autosomal Dominant, Autosomal Recessive and X-Linked Classification Criteria (2023). Collection method: clinical testing. Allele origin: unknown.
Comment: This variant is considered pathogenic. This variant creates a termination codon and is predicted to result in premature protein truncation.

Color Diagnostics, LLC DBA Color Health
Classification: Pathogenic for Hereditary cancer-predisposing syndrome. Last evaluated: 2023-05-17. Review status: criteria provided, single submitter. Criteria: ACMG Guidelines, 2015. Collection method: clinical testing. Allele origin: germline.
Comment: This variant changes 1 nucleotide in exon 4 of the MSH6 gene, creating a premature translation stop signal. This variant is expected to result in an absent or non-functional protein product. This variant has been reported in an individual affected by endometrial cancer (PMID: 29345684). This variant has not been identified in the general population by the Genome Aggregation Database (gnomAD). Loss of MSH6 function is a known mechanism of disease. Based on the available evidence, this variant is classified as Pathogenic.

Ambry Genetics
Classification: Pathogenic for Hereditary cancer-predisposing syndrome. Last evaluated: 2022-10-20. Review status: criteria provided, single submitter. Criteria: Ambry Variant Classification Scheme 2023. Collection method: clinical testing. Allele origin: germline.
Comment: The p.Q657* pathogenic mutation (also known as c.1969C>T), located in coding exon 4 of the MSH6 gene, results from a C to T substitution at nucleotide position 1969. This changes the amino acid from a glutamine to a stop codon within coding exon 4. This alteration is expected to result in loss of function by premature protein truncation or nonsense-mediated mRNA decay. As such, this alteration is interpreted as a disease-causing mutation.

Women's Health and Genetics/Laboratory Corporation of America, LabCorp
Classification: Likely pathogenic for Hereditary nonpolyposis colon cancer. Last evaluated: 2021-02-03. Review status: criteria provided, single submitter. Criteria: LabCorp Variant Classification Summary - May 2015. Collection method: clinical testing. Allele origin: germline.
Comment: Variant summary: MSH6 c.1969C>T (p.Gln657X) results in a premature termination codon, predicted to cause a truncation of the encoded protein or absence of the protein due to nonsense mediated decay, which are commonly known mechanisms for disease. The variant was absent in 251144 control chromosomes (gnomAD). To our knowledge, no occurrence of c.1969C>T in individuals affected with Hereditary Nonpolyposis Colorectal Cancer and no experimental evidence demonstrating its impact on protein function have been reported. Four clinical diagnostic laboratories have submitted clinical-significance assessments for this variant to ClinVar after 2014 without evidence for independent evaluation. All laboratories classified the variant as pathogenic. Based on the evidence outlined above, the variant was classified as likely pathogenic.

Labcorp Genetics (formerly Invitae), Labcorp
Classification: Pathogenic for Hereditary nonpolyposis colorectal neoplasms. Last evaluated: 2020-01-08. Review status: criteria provided, single submitter. Criteria: Invitae Variant Classification Sherloc (09022015). Collection method: clinical testing. Allele origin: germline.
Comment: For these reasons, this variant has been classified as Pathogenic. Loss-of-function variants in MSH6 are known to be pathogenic (PMID: 18269114, 24362816). This variant has been reported in individuals in the Leiden Open-source Variation Database (PMID: 21520333). ClinVar contains an entry for this variant (Variation ID: 428316). This variant is not present in population databases (ExAC no frequency). This sequence change creates a premature translational stop signal (p.Gln657*) in the MSH6 gene. It is expected to result in an absent or disrupted protein product.

Quest Diagnostics Nichols Institute San Juan Capistrano
Classification: Pathogenic. Last evaluated: 2019-06-13. Review status: criteria provided, single submitter. Criteria: Quest Diagnostics criteria. Collection method: clinical testing. Allele origin: germline.
Comment: The variant results in a shift of the reading frame, and is therefore predicted to result in the loss of a functional protein. Found in at least one symptomatic patient, and not found in general population data.

GeneDx
Classification: Pathogenic. Last evaluated: 2015-08-26. Review status: criteria provided, single submitter. Criteria: GeneDx Variant Classification (06012015). Collection method: clinical testing. Allele origin: germline. Affected: yes.
Comment: This pathogenic variant is denoted MSH6 c.1969C>T at the cDNA level and p.Gln657Ter (Q657X) at the protein level. The substitution creates a nonsense variant, which changes a Glutamine to a premature stop codon (CAG>TAG), and is predicted to cause loss of normal protein function through either protein truncation or nonsense-mediated mRNA decay. Although this variant has not, to our knowledge, been reported in the literature, it is considered pathogenic.

Literature cited by the submitters: PubMed 29345684 (cited by 3 submitters); PubMed 18269114 (cited by Labcorp Genetics (formerly Invitae), Labcorp); PubMed 24362816 (cited by Labcorp Genetics (formerly Invitae), Labcorp); PubMed 21520333 (cited by Labcorp Genetics (formerly Invitae), Labcorp).